The following is an entry in ClinVar:

ClinVar aggregate classification (germline): Uncertain significance (1 of 4 stars; one submission).

Conditions:
Hereditary cancer-predisposing syndrome. Also called: Neoplastic Syndromes, Hereditary; Tumor predisposition; Hereditary Cancer Syndrome; Hereditary neoplastic syndrome. Identifiers: Orphanet 140162, MedGen C0027672, MeSH D009386, MONDO:0015356.

Submission:

Ambry Genetics
Classification: Uncertain significance for Hereditary cancer-predisposing syndrome. Last evaluated: 2020-03-05. Review status: criteria provided, single submitter. Criteria: Ambry Variant Classification Scheme 2023. Collection method: clinical testing. Allele origin: germline.
Comment: The p.S2449N variant (also known as c.7346G>A), located in coding exon 15 of the APC gene, results from a G to A substitution at nucleotide position 7346. The serine at codon 2449 is replaced by asparagine, an amino acid with highly similar properties. This amino acid position is highly conserved in available vertebrate species. In addition, in silico predictors for this gene do not accurately predict pathogenicity. Since supporting evidence is limited at this time, the clinical significance of this alteration remains unclear.

NM_000038.6(APC):c.7346G>A (p.Ser2449Asn)

Gene: APC (APC regulator of Wnt signaling pathway; plus strand). Cytogenetic location: 5q22.2.
Variant type: single nucleotide variant.
Coding change: c.7346G>A on transcript NM_000038.6 (MANE Select); coding-DNA position 7346, G replaced by A.
Protein change: p.Ser2449Asn; replaces serine 2449 with asparagine.
Molecular consequence: missense variant.
Genome position (GRCh38, 1-based): chr5:112,842,940, G>A. VCF-style: chr5-112842940-G-A. GRCh37 (hg19) VCF-style: chr5-112178637-G-A.
Other names: c.7346G>A, p.Ser2449Asn (NM_001127510.3, NM_001354895.2, NM_001407450.1); c.7292G>A, p.Ser2431Asn (NM_001127511.3); c.7400G>A, p.Ser2467Asn (NM_001354896.2, NM_001407447.1, NM_001407448.1 and 1 more transcripts); c.7376G>A, p.Ser2459Asn (NM_001354897.2); c.7271G>A, p.Ser2424Asn (NM_001354898.2); c.7262G>A, p.Ser2421Asn (NM_001354899.2); c.7223G>A, p.Ser2408Asn (NM_001354900.2); c.7169G>A, p.Ser2390Asn (NM_001354901.2, NM_001407453.1); and 11 more; short protein forms S2320N, S2477N, S2065N, S2358N, S2366N, S2421N, S2459N, S2166N.
Identifiers: ClinVar variation 1758428 (VCV001758428.2), dbSNP rs1580681445, ClinGen allele CA16037328.